The following is an entry in ClinVar:

ClinVar aggregate classification (germline): Uncertain significance. Review status: criteria provided, multiple submitters, no conflicts (2 of 4 stars). 3 submissions from 3 submitters: Uncertain significance (3). Last evaluated 2026-06-04.

Conditions:
LIFR-related disorder. Also called: LIFR-related condition.
Inborn genetic diseases. Identifiers: MedGen C0950123, MeSH D030342.

Allele frequency attached by ClinVar (database versions not stated): ExAC 0.00001; gnomAD exomes 0.00001; TOPMed 0.00002; gnomAD 0.00003.
gnomAD v4.1: 16 of 1,591,228 alleles (0.001%); highest among the groups gnomAD compares: Admixed American, 0.022%; no homozygotes.

Submissions (3):

PreventionGenetics, part of Exact Sciences
Classification: Uncertain significance for LIFR-related condition. Last evaluated: 2026-06-04. Review status: criteria provided, single submitter. Criteria: ACMG Guidelines, 2015. Collection method: clinical testing. Allele origin: germline.
Comment: The LIFR c.334A>G variant is predicted to result in the amino acid substitution p.Ile112Val. To our knowledge, this variant has not been reported in the literature. This variant is reported in 0.023% of alleles in individuals of Latino descent in gnomAD. At this time, the clinical significance of this variant is uncertain due to the absence of conclusive functional and genetic evidence.

Ambry Genetics
Classification: Uncertain significance for Inborn genetic diseases. Last evaluated: 2025-02-20. Review status: criteria provided, single submitter. Criteria: Ambry Variant Classification Scheme 2023. Collection method: clinical testing. Allele origin: germline.

Labcorp Genetics (formerly Invitae), Labcorp
Classification: Uncertain significance. Last evaluated: 2022-08-15. Review status: criteria provided, single submitter. Criteria: Invitae Variant Classification Sherloc (09022015). Collection method: clinical testing. Allele origin: germline.
Comment: This sequence change replaces isoleucine, which is neutral and non-polar, with valine, which is neutral and non-polar, at codon 112 of the LIFR protein (p.Ile112Val). This variant is present in population databases (rs549423718, gnomAD 0.03%). This variant has not been reported in the literature in individuals affected with LIFR-related conditions. Algorithms developed to predict the effect of missense changes on protein structure and function output the following: SIFT: "Tolerated"; PolyPhen-2: "Benign"; Align-GVGD: "Class C0". The valine amino acid residue is found in multiple mammalian species, which suggests that this missense change does not adversely affect protein function. Algorithms developed to predict the effect of sequence changes on RNA splicing suggest that this variant may create or strengthen a splice site. In summary, the available evidence is currently insufficient to determine the role of this variant in disease. Therefore, it has been classified as a Variant of Uncertain Significance.

NM_001127671.2(LIFR):c.334A>G (p.Ile112Val)

Gene: LIFR (LIF receptor subunit alpha; minus strand). Cytogenetic location: 5p13.1.
Variant type: single nucleotide variant.
Coding change: c.334A>G on transcript NM_001127671.2 (MANE Select); coding-DNA position 334, A replaced by G.
Protein change: p.Ile112Val; replaces isoleucine 112 with valine.
Molecular consequence: missense variant.
Genome position (GRCh38, 1-based): chr5:38,527,218, T>C on the plus strand (A>G on the coding strand, the complement: LIFR is on the minus strand). VCF-style: chr5-38527218-T-C. GRCh37 (hg19) VCF-style: chr5-38527320-T-C.
Other names: c.334A>G, p.Ile112Val (NM_001364297.2, NM_001364298.2, NM_002310.6); c.334A>G (NM_002310.5); short protein forms I112V.
Identifiers: ClinVar variation 2178274 (VCV002178274.3), dbSNP rs549423718, ClinGen allele CA3243256.